The following is an entry in ClinVar:

NM_016373.4(WWOX):c.454A>G (p.Ile152Val)

Gene: WWOX (WW domain containing oxidoreductase; plus strand). Cytogenetic location: 16q23.1.
Variant type: single nucleotide variant.
Coding change: c.454A>G on transcript NM_016373.4 (MANE Select); coding-DNA position 454, A replaced by G.
Protein change: p.Ile152Val; replaces isoleucine 152 with valine.
Molecular consequence: missense variant. On other transcripts: non-coding transcript variant (1).
Genome position (GRCh38, 1-based): chr16:78,164,227, A>G. VCF-style: chr16-78164227-A-G. GRCh37 (hg19) VCF-style: chr16-78198124-A-G.
Other names: c.115A>G, p.Ile39Val (NM_001291997.2); c.454A>G, p.Ile152Val (NM_130791.5); short protein forms I39V, I152V.
Identifiers: ClinVar variation 1038613 (VCV001038613.6), dbSNP rs961514796, ClinGen allele CA396841578.

ClinVar aggregate classification (germline): Uncertain significance. Review status: criteria provided, multiple submitters, no conflicts (2 of 4 stars). 2 submissions from 2 submitters: Uncertain significance (2). Last evaluated 2021-08-30.

Conditions:
Developmental and epileptic encephalopathy, 1 (DEE1). Also called: X-linked infantile spasms; West's syndrome; Tonic spasms with clustering, arrest of psychomotor development and hypsarrhythmia on EEG; X-Linked Infantile Spasm Syndrome; OHTAHARA SYNDROME, X-LINKED; INFANTILE SPASM SYNDROME, X-LINKED 1. Identifiers: MedGen C3463992, MONDO:0010632, OMIM 308350. Disease mechanism: loss of function.
Autosomal recessive spinocerebellar ataxia 12. Also called: SPINOCEREBELLAR ATAXIA WITH MENTAL RETARDATION AND EPILEPSY. Identifiers: Orphanet 284282, MedGen C3280452, MONDO:0013687, OMIM 614322.

Allele frequency attached by ClinVar (database versions not stated): gnomAD exomes below 0.00001.
gnomAD v4.1: 13 of 1,614,138 alleles (0.00081%); highest among the groups gnomAD compares: Non-Finnish European, 0.0011%; no homozygotes.

Submissions (2):

Labcorp Genetics (formerly Invitae), Labcorp
Classification: Uncertain significance for Developmental and epileptic encephalopathy, 1; Autosomal recessive spinocerebellar ataxia 12. Last evaluated: 2021-08-30. Review status: criteria provided, single submitter. Criteria: Invitae Variant Classification Sherloc (09022015). Collection method: clinical testing. Allele origin: germline.

GeneDx
Classification: Uncertain significance. Last evaluated: 2019-10-22. Review status: criteria provided, single submitter. Criteria: GeneDx Variant Classification Process June 2021. Collection method: clinical testing. Allele origin: germline. Affected: yes.
Comment: Not observed at a significant frequency in large population cohorts (Lek et al., 2016); In silico analysis, which includes protein predictors and evolutionary conservation, supports that this variant does not alter protein structure/function; Has not been previously published as pathogenic or benign to our knowledge